The following is an entry in ClinVar:

NM_006180.6(NTRK2):c.730A>G (p.Ser244Gly)

Gene: NTRK2 (neurotrophic receptor tyrosine kinase 2; plus strand). Cytogenetic location: 9q21.33.
Variant type: single nucleotide variant.
Coding change: c.730A>G on transcript NM_006180.6 (MANE Select); coding-DNA position 730, A replaced by G.
Protein change: p.Ser244Gly; replaces serine 244 with glycine.
Molecular consequence: missense variant.
Genome position (GRCh38, 1-based): chr9:84,724,233, A>G. VCF-style: chr9-84724233-A-G. GRCh37 (hg19) VCF-style: chr9-87339148-A-G.
Other names: c.730A>G, p.Ser244Gly (NM_001007097.3, NM_001018064.3, NM_001018065.2 and 18 more transcripts); c.262A>G, p.Ser88Gly (NM_001369535.1, NM_001369536.1, NM_001369550.1 and 2 more transcripts); short protein forms S244G, S88G.
Identifiers: ClinVar variation 3659831 (VCV003659831.2).

ClinVar aggregate classification (germline): Uncertain significance (1 of 4 stars; one submission).

gnomAD v4.1: 1 of 1,614,178 alleles (0.000062%); highest among the groups gnomAD compares: Non-Finnish European, 0.000085%; no homozygotes.

Submission:

Labcorp Genetics (formerly Invitae), Labcorp
Classification: Uncertain significance. Last evaluated: 2024-07-18. Review status: criteria provided, single submitter. Criteria: Invitae Variant Classification Sherloc (09022015). Collection method: clinical testing. Allele origin: germline.
Comment: This sequence change replaces serine, which is neutral and polar, with glycine, which is neutral and non-polar, at codon 244 of the NTRK2 protein (p.Ser244Gly). This variant is not present in population databases (gnomAD no frequency). This variant has not been reported in the literature in individuals affected with NTRK2-related conditions. Advanced modeling of protein sequence and biophysical properties (such as structural, functional, and spatial information, amino acid conservation, physicochemical variation, residue mobility, and thermodynamic stability) performed at Invitae indicates that this missense variant is not expected to disrupt NTRK2 protein function with a negative predictive value of 80%. In summary, the available evidence is currently insufficient to determine the role of this variant in disease. Therefore, it has been classified as a Variant of Uncertain Significance.